The following is an entry in ClinVar:

ClinVar aggregate classification (germline): Conflicting classifications of pathogenicity. Review status: criteria provided, conflicting classifications (1 of 4 stars). 3 submissions from 3 submitters: Uncertain significance (1); Likely benign (2). Last evaluated 2025-12-01.

Conditions:
Spastic paraplegia. Identifiers: MedGen C0037772, HP:0001258.
Hereditary spastic paraplegia 5A (SPG5A). Also called: SPASTIC PARAPLEGIA 5A, AUTOSOMAL RECESSIVE. Identifiers: Orphanet 100986, MedGen C1849115, MONDO:0010047, OMIM 270800.

Allele frequency attached by ClinVar (database versions not stated): TOPMed 0.00008; gnomAD 0.00006; ESP Exome Variant Server 0.00008.
gnomAD v4.1: 119 of 1,612,744 alleles (0.0074%); highest among the groups gnomAD compares: Non-Finnish European, 0.0098%; no homozygotes.

Submissions (3):

CeGaT Center for Human Genetics Tuebingen
Classification: Likely benign. Last evaluated: 2025-12-01. Review status: criteria provided, single submitter. Criteria: CeGaT Center For Human Genetics Tuebingen Variant Classification Criteria Version 2. Collection method: clinical testing. Allele origin: germline. Affected: yes. Observed: 1 variant allele.
Comment: CYP7B1: BP4, BP7

Labcorp Genetics (formerly Invitae), Labcorp
Classification: Likely benign for Spastic paraplegia. Last evaluated: 2025-09-04. Review status: criteria provided, single submitter. Criteria: Invitae Variant Classification Sherloc (09022015). Collection method: clinical testing. Allele origin: germline.

Illumina Laboratory Services, Illumina
Classification: Uncertain significance for Hereditary spastic paraplegia 5A. Last evaluated: 2018-01-13. Review status: criteria provided, single submitter. Criteria: ICSL Variant Classification Criteria 13 December 2019. Collection method: clinical testing. Allele origin: germline.

NM_004820.5(CYP7B1):c.204G>A (p.Arg68=)

Gene: CYP7B1 (cytochrome P450 family 7 subfamily B member 1; minus strand). Cytogenetic location: 8q12.3.
Variant type: single nucleotide variant.
Coding change: c.204G>A on transcript NM_004820.5 (MANE Select); coding-DNA position 204, G replaced by A.
Protein change: p.Arg68=; no amino-acid change (arginine 68 retained).
Molecular consequence: synonymous variant.
Genome position (GRCh38, 1-based): chr8:64,624,458, C>T on the plus strand (G>A on the coding strand, the complement: CYP7B1 is on the minus strand). VCF-style: chr8-64624458-C-T. GRCh37 (hg19) VCF-style: chr8-65537015-C-T.
Other names: c.204G>A, p.Arg68= (NM_001324112.2).
Identifiers: ClinVar variation 220699 (VCV000220699.20), dbSNP rs377119798, ClinGen allele CA350038.